The following is an entry in ClinVar:

NM_000533.5(PLP1):c.409C>T (p.Arg137Trp)

Genes: RAB9B (RAB9B, member RAS oncogene family; minus strand), PLP1 (proteolipid protein 1; plus strand). Cytogenetic location: Xq22.2.
Variant type: single nucleotide variant.
Coding change: c.409C>T on transcript NM_000533.5 (MANE Select); coding-DNA position 409, C replaced by T.
Protein change: p.Arg137Trp; replaces arginine 137 with tryptophan.
Molecular consequence: missense variant. On other transcripts: intron variant (1).
Genome position (GRCh38, 1-based): chrX:103,786,682, C>T. VCF-style: chrX-103786682-C-T. GRCh37 (hg19) VCF-style: chrX-103041611-C-T.
Other names: c.409C>T, p.Arg137Trp (NM_001128834.3); c.244C>T, p.Arg82Trp (NM_001305004.1); c.348+61C>T (NM_199478.3); short protein forms R137W, R82W.
Identifiers: ClinVar variation 11098 (VCV000011098.11), dbSNP rs132630295, ClinGen allele CA255713.

ClinVar aggregate classification (germline): Conflicting classifications of pathogenicity. Review status: criteria provided, conflicting classifications (1 of 4 stars). 4 submissions from 4 submitters: Likely pathogenic (1); Uncertain significance (2). 1 of the submissions does not count toward it. Last evaluated 2025-09-09.

Conditions:
Hereditary spastic paraplegia 2 (SPG2). Also called: SPASTIC PARAPLEGIA 2, X-LINKED; Spastic Paraplegia 2 (SPG2). Identifiers: Orphanet 99015, MedGen C0751604, MONDO:0010733, OMIM 312920.
Pelizaeus-Merzbacher disease. Also called: Pelizeaus-Merzbacher spectrum disorder; LEUKODYSTROPHY, HYPOMYELINATING, 1; Sudanophilic leukodystrophy; Pelizaeus-Merzbacher spectrum disorder; Pelizaeus-Merzbacher Disease (PMD). Identifiers: Orphanet 702, MedGen C0205711, MONDO:0010714, OMIM 312080, HP:0003269.

Allele frequency attached by ClinVar (database versions not stated): gnomAD exomes below 0.00001.
gnomAD v4.1: 4 of 1,210,547 alleles (0.00033%); highest among the groups gnomAD compares: Non-Finnish European, 0.00045%; no homozygotes.

Submissions (4):

Women's Health and Genetics/Laboratory Corporation of America, LabCorp
Classification: Uncertain significance. Last evaluated: 2025-09-09. Review status: criteria provided, single submitter. Criteria: LabCorp Variant Classification Summary - May 2015. Collection method: clinical testing. Allele origin: germline.
Comment: Variant summary: PLP1 c.409C>T (p.Arg137Trp) results in a non-conservative amino acid change in the encoded protein sequence. Algorithms developed to predict the effect of missense changes on protein structure and function all suggest that this variant is likely to be disruptive. The variant was absent in 183346 control chromosomes. The available data on variant occurrences in the general population are insufficient to allow any conclusion about variant significance. c.409C>T has been observed in individuals affected with clinical features of Pelizaeus-Merzbacher disease (Gorman_2007, Laukka_2013). These data do not allow any conclusion about variant significance. At least one publication reports experimental evidence evaluating an impact on protein function and this variant affected the PLP1 protein function (Groh_2016, Cloake_2018). The following publications have been ascertained in the context of this evaluation (PMID: 30314286, 17438221, 28173160, 29451896, 24139698). ClinVar contains an entry for this variant (Variation ID: 11098). Based on the evidence outlined above, the variant was classified as uncertain significance.

Labcorp Genetics (formerly Invitae), Labcorp
Classification: Uncertain significance for Hereditary spastic paraplegia 2. Last evaluated: 2024-02-03. Review status: criteria provided, single submitter. Criteria: Invitae Variant Classification Sherloc (09022015). Collection method: clinical testing. Allele origin: germline.
Comment: This sequence change replaces arginine, which is basic and polar, with tryptophan, which is neutral and slightly polar, at codon 137 of the PLP1 protein (p.Arg137Trp). This variant is not present in population databases (gnomAD no frequency). This missense change has been observed in individuals with complicated spastic paraplegia and/or Pelizaeus-Merzbacher disease (PMID: 17438221, 24139698). ClinVar contains an entry for this variant (Variation ID: 11098). An algorithm developed to predict the effect of missense changes on protein structure and function (PolyPhen-2) suggests that this variant is likely to be disruptive. Experimental studies have shown that this missense change affects PLP1 function (PMID: 30314286). This variant disrupts the p.Arg137 amino acid residue in PLP1. Other variant(s) that disrupt this residue have been observed in individuals with PLP1-related conditions (PMID: 24139698), which suggests that this may be a clinically significant amino acid residue. In summary, the available evidence is currently insufficient to determine the role of this variant in disease. Therefore, it has been classified as a Variant of Uncertain Significance.

Molecular Diagnostics Lab, Nemours Children's Health, Delaware
Classification: Likely pathogenic for Pelizaeus-Merzbacher disease. Last evaluated: 2021-11-22. Review status: criteria provided, single submitter. Criteria: ACMG Guidelines, 2015. Collection method: clinical testing. Allele origin: maternal, unknown. Inheritance: X-linked inheritance. Affected: yes and no. Observed: 1 heterozygote, 2 hemizygotes. Clinical features observed: Nystagmus (HP:0000639), Progressive cerebellar ataxia (HP:0002073).
Comment: This missense variant (c.409G>T, p.Arg137Trp) has not been observed in population databases (gnomAD). It has been described in the literature (PMID 17438221, PMID 24139698). This nucleotide resides in a region involved in splice site regulation (PMID 16288477), and variant prediction programs suggest a deleterious effect on the PLP1 protein, although no functional studies have been published. It has been found in 2 affected males in a family, related through maternal lines.

OMIM
Classification: Pathogenic for SPASTIC PARAPLEGIA 2. Last evaluated: 2007-04-17. Review status: no assertion criteria provided. Collection method: literature only. Allele origin: germline. Not counted in ClinVar's aggregate classification.

Literature cited by the submitters: PubMed 29451896 (cited by Women's Health and Genetics/Laboratory Corporation of America, LabCorp); PubMed 30314286 (cited by Women's Health and Genetics/Laboratory Corporation of America, LabCorp and Labcorp Genetics (formerly Invitae), Labcorp); PubMed 17438221 (cited by 4 submitters); PubMed 28173160 (cited by Women's Health and Genetics/Laboratory Corporation of America, LabCorp); PubMed 24139698 (cited by 3 submitters).